The following is an entry in ClinVar:

NM_000548.5(TSC2):c.4991_5020del (p.Gly1664_Thr1674delinsAla)

Gene: TSC2 (TSC complex subunit 2; plus strand). Cytogenetic location: 16p13.3.
Variant type: Deletion.
Coding change: c.4991_5020del on transcript NM_000548.5 (MANE Select); coding-DNA positions 4991 to 5020, 30 bases deleted (GCCAGTTCAACTTTGTCCACGTGATCGTCA).
Protein change: p.Gly1664_Thr1674delinsAla.
Molecular consequence: inframe indel.
Genome position (GRCh38, 1-based): chr16:2,087,864-2,087,893, GCCAGTTCAACTTTGTCCACGTGATCGTCA deleted. VCF-style (leftmost placement, unchanged base first): chr16-2087863-GGCCAGTTCAACTTTGTCCACGTGATCGTCA-G. GRCh37 (hg19) VCF-style: chr16-2137864-GGCCAGTTCAACTTTGTCCACGTGATCGTCA-G.
Other names: c.4790_4819del, p.Gly1597_Thr1607delinsAla (NM_001077183.3); c.4922_4951del, p.Gly1641_Thr1651delinsAla (NM_001114382.3); c.4682_4711del, p.Gly1561_Thr1571delinsAla (NM_001318827.2); c.4646_4675del, p.Gly1549_Thr1559delinsAla (NM_001318829.2); c.4259_4288del, p.Gly1420_Thr1430delinsAla (NM_001318831.2); c.4823_4852del, p.Gly1608_Thr1618delinsAla (NM_001318832.2); c.4793_4822del, p.Gly1598_Thr1608delinsAla (NM_001363528.2); c.4859_4888del, p.Gly1620_Thr1630delinsAla (NM_001370404.1); and 1 more.
Identifiers: ClinVar variation 535998 (VCV000535998.7), dbSNP rs1555439653, ClinGen allele CA658798494.

ClinVar aggregate classification (germline): Uncertain significance (1 of 4 stars; one submission).

Conditions:
Tuberous sclerosis 2 (TSC2). Identifiers: Orphanet 805, MedGen C1860707, MONDO:0013199, OMIM 613254.

Submission:

Labcorp Genetics (formerly Invitae), Labcorp
Classification: Uncertain significance for Tuberous sclerosis 2. Last evaluated: 2017-10-03. Review status: criteria provided, single submitter. Criteria: Invitae Variant Classification Sherloc (09022015). Collection method: clinical testing. Allele origin: germline.
Comment: This variant, c.4991_5020del30, results in the deletion of 10 amino acids of the TSC2 protein (p.Gly1664_Thr1674delinsAla), but otherwise preserves the integrity of the reading frame. This variant is not present in population databases (ExAC no frequency). This variant has not been reported in the literature in individuals with TSC2-related disease. Experimental studies and prediction algorithms are not available for this variant, and the functional significance of the deleted amino acids is currently unknown. In summary, the available evidence is currently insufficient to determine the role of this variant in disease. Therefore, it has been classified as a Variant of Uncertain Significance.